The following is an entry in ClinVar:

ClinVar aggregate classification (germline): Uncertain significance (1 of 4 stars; one submission).

Allele frequency attached by ClinVar (database versions not stated): gnomAD exomes 0.00005 and 0.00014; ExAC 0.00019; 1000 Genomes Project 30x 0.00031; ESP Exome Variant Server 0.00038; 1000 Genomes Project 0.00040; gnomAD 0.00056 and 0.00059; TOPMed 0.00056.

Submission:

Labcorp Genetics (formerly Invitae), Labcorp
Classification: Uncertain significance. Last evaluated: 2022-10-17. Review status: criteria provided, single submitter. Criteria: Invitae Variant Classification Sherloc (09022015). Collection method: clinical testing. Allele origin: germline.
Comment: This sequence change replaces valine, which is neutral and non-polar, with isoleucine, which is neutral and non-polar, at codon 241 of the MCM4 protein (p.Val241Ile). This variant is present in population databases (rs142486081, gnomAD 0.2%). This variant has not been reported in the literature in individuals affected with MCM4-related conditions. ClinVar contains an entry for this variant (Variation ID: 1497310). Advanced modeling of protein sequence and biophysical properties (such as structural, functional, and spatial information, amino acid conservation, physicochemical variation, residue mobility, and thermodynamic stability) performed at Invitae indicates that this missense variant is not expected to disrupt MCM4 protein function. In summary, the available evidence is currently insufficient to determine the role of this variant in disease. Therefore, it has been classified as a Variant of Uncertain Significance.

NM_182746.3(MCM4):c.721G>A (p.Val241Ile)

Gene: MCM4 (minichromosome maintenance complex component 4; plus strand). Cytogenetic location: 8q11.21.
Variant type: single nucleotide variant.
Coding change: c.721G>A on transcript NM_182746.3 (MANE Select); coding-DNA position 721, G replaced by A.
Protein change: p.Val241Ile; replaces valine 241 with isoleucine.
Molecular consequence: missense variant.
Genome position (GRCh38, 1-based): chr8:47,964,601, G>A. VCF-style: chr8-47964601-G-A. GRCh37 (hg19) VCF-style: chr8-48877161-G-A.
Other names: c.721G>A, p.Val241Ile (NM_005914.4); short protein forms V241I.
Identifiers: ClinVar variation 1497310 (VCV001497310.5), dbSNP rs142486081, ClinGen allele CA4742407.